The following is an entry in ClinVar:

NM_015346.4(ZFYVE26):c.6789C>T (p.Asp2263=)

Gene: ZFYVE26 (zinc finger FYVE-type containing 26; minus strand). Cytogenetic location: 14q24.1.
Variant type: single nucleotide variant.
Coding change: c.6789C>T on transcript NM_015346.4 (MANE Select); coding-DNA position 6789, C replaced by T.
Protein change: p.Asp2263=; no amino-acid change (aspartic acid 2263 retained).
Molecular consequence: synonymous variant.
Genome position (GRCh38, 1-based): chr14:67,755,248, G>A on the plus strand (C>T on the coding strand, the complement: ZFYVE26 is on the minus strand). VCF-style: chr14-67755248-G-A. GRCh37 (hg19) VCF-style: chr14-68221965-G-A.
Identifiers: ClinVar variation 528015 (VCV000528015.15), dbSNP rs372463199, ClinGen allele CA7239134.
Genomic context (GRCh38, chr14:67,755,248, plus strand): 5'-TGTATATGACTTTGCTTTGTGACTGAAGAACCGAATACAGGTCATGGCGGCCCGAACTTG[G>A]TCCTAGAAGAGGAAAATAAATGTTCAGGTCAAAGTAGATCAGGGGTTTGGAGGGTGGGGT-3'
Protein context (NP_056161.2, residues 2253-2273): ILYELQQFMK[Asp2263=]QVRAAMTCIR

ClinVar aggregate classification (germline): Conflicting classifications of pathogenicity. Review status: criteria provided, conflicting classifications (1 of 4 stars). 4 submissions from 4 submitters: Uncertain significance (2); Likely benign (2). Last evaluated 2025-11-23.

Conditions:
Spastic paraplegia. Identifiers: MedGen C0037772, HP:0001258.
Hereditary spastic paraplegia. Also called: Familial spastic paraparesis. Identifiers: Orphanet 685, MedGen C0037773, MONDO:0019064. Disease mechanism: loss of function.

Allele frequency attached by ClinVar (database versions not stated): TOPMed 0.00008; ExAC 0.00007; ESP Exome Variant Server 0.00008; gnomAD exomes 0.00005; gnomAD 0.00007.
gnomAD v4.1: 83 of 1,614,138 alleles (0.0051%); highest among the groups gnomAD compares: Middle Eastern, 0.066%; no homozygotes.

Submissions (4):

Labcorp Genetics (formerly Invitae), Labcorp
Classification: Likely benign for Spastic paraplegia. Last evaluated: 2025-11-23. Review status: criteria provided, single submitter. Criteria: Invitae Variant Classification Sherloc (09022015). Collection method: clinical testing. Allele origin: germline.

Greenwood Genetic Center Diagnostic Laboratories, Greenwood Genetic Center
Classification: Uncertain significance. Last evaluated: 2025-01-22. Review status: criteria provided, single submitter. Criteria: ACMG Guidelines, 2015. Collection method: clinical testing. Allele origin: germline.
Comment: PM2

Athena Diagnostics
Classification: Likely benign. Last evaluated: 2020-01-13. Review status: criteria provided, single submitter. Criteria: Athena Diagnostics Criteria. Collection method: clinical testing. Allele origin: unknown.

Genome Diagnostics Laboratory, The Hospital for Sick Children
Classification: Uncertain significance for Hereditary spastic paraplegia. Last evaluated: 2019-11-01. Review status: criteria provided, single submitter. Criteria: ACMG Guidelines, 2015. Collection method: clinical testing. Allele origin: germline. Affected: yes.